The following is an entry in ClinVar:

NM_176824.3(BBS7):c.712_715del (p.Arg238fs)

Gene: BBS7 (Bardet-Biedl syndrome 7; minus strand). Cytogenetic location: 4q27.
Variant type: Microsatellite.
Coding change: c.712_715del on transcript NM_176824.3 (MANE Select); coding-DNA positions 712 to 715, 4 bases deleted (AGAG; older notation c.712_715delAGAG).
Protein change: p.Arg238fs; shifts the reading frame from arginine 238.
Molecular consequence: frameshift variant.
Genome position (GRCh38, 1-based): chr4:121,854,707-121,854,710, CTCT deleted on the plus strand (AGAG on the coding strand, the reverse complement: BBS7 is on the minus strand); deleting any 4 consecutive bases within chr4:121,854,707-121,854,712 gives the same sequence; the c. name uses the placement nearest the transcript's 3' end. VCF-style (leftmost placement, unchanged base first): chr4-121854706-CCTCT-C. GRCh37 (hg19) VCF-style: chr4-122775861-CCTCT-C.
Other names: c.712_715del, p.Arg238fs (NM_018190.4); c.712_715delAGAG (NM_176824.3); c.712_715del (NM_176824.2); short protein forms R238fs.
Identifiers: ClinVar variation 281626 (VCV000281626.92), dbSNP rs760165634, ClinGen allele CA3064432.

ClinVar aggregate classification (germline): Pathogenic. Review status: criteria provided, multiple submitters, no conflicts (2 of 4 stars). 22 submissions from 22 submitters: Pathogenic (20). 2 of the submissions do not count toward it. Last evaluated 2026-07-14.

Conditions:
BBS7-related disorder. Also called: BBS7-related condition.
Bardet-Biedl syndrome (BBS). Identifiers: Orphanet 110, MedGen C0752166, MONDO:0015229.
Bardet-Biedl syndrome 1 (BBS1). Identifiers: MedGen C2936862, MONDO:0008854, OMIM 209900. Disease mechanism: loss of function.
Bardet-Biedl syndrome 7 (BBS7). Identifiers: Orphanet 110, MedGen C1859565, MONDO:0014435, OMIM 615984.

Submissions (22):

Genetics Laboratory, Great Ormond Street Hospital NHS Foundation Trust, North Thames Genomic Laboratory Hub
Classification: Pathogenic for Bardet Biedl syndrome. Last evaluated: 2026-07-14. Review status: criteria provided, single submitter. Criteria: ACGS Best Practice Guidelines for Variant Classification in Rare Disease 2024 v1.2. Collection method: clinical testing. Allele origin: germline. Affected: yes.
Comment: PM2_moderate, PVS1_very-strong, PM3_strong

Laboratory of Medical Genetics, University of Torino
Classification: Pathogenic for Bardet-Biedl syndrome 7. Last evaluated: 2026-06-29. Review status: criteria provided, single submitter. Criteria: ACMG Guidelines, 2015. Collection method: clinical testing. Allele origin: unknown. Affected: yes.

PreventionGenetics, part of Exact Sciences
Classification: Pathogenic for BBS7-related condition. Last evaluated: 2026-05-08. Review status: criteria provided, single submitter. Criteria: ACMG Guidelines, 2015. Collection method: clinical testing. Allele origin: germline.
Comment: The BBS7 c.712_715delAGAG variant is predicted to result in a frameshift and premature protein termination (p.Arg238Glufs*59). This variant has been reported in the homozygous or compound heterozygous state in individuals with Bardet-Biedl syndrome (Bin et al. 2009. PubMed ID: 19402160; Ece Solmaz et al. 2015. PubMed ID: 26518167), and chain terminating variants in BBS7 are a well-established mechanism of pathogenicity. This variant is reported in 0.011% of alleles in individuals of European (Non-Finnish) descent in gnomAD. This variant is interpreted as pathogenic.

Labcorp Genetics (formerly Invitae), Labcorp
Classification: Pathogenic for Bardet-Biedl syndrome. Last evaluated: 2026-01-20. Review status: criteria provided, single submitter. Criteria: Invitae Variant Classification Sherloc (09022015). Collection method: clinical testing. Allele origin: germline.
Comment: This sequence change creates a premature translational stop signal (p.Arg238Glufs*59) in the BBS7 gene. It is expected to result in an absent or disrupted protein product. Loss-of-function variants in BBS7 are known to be pathogenic (PMID: 12567324, 19402160, 21209035, 31196119). This variant is present in population databases (rs760165634, gnomAD 0.01%). This premature translational stop signal has been observed in individuals with Bardet-Biedl Syndrome (PMID: 19402160, 26518167). ClinVar contains an entry for this variant (Variation ID: 281626). For these reasons, this variant has been classified as Pathogenic.

Clinical Genetics Laboratory, University Hospital Schleswig-Holstein
Classification: Pathogenic for Bardet-Biedl syndrome 7. Last evaluated: 2025-10-17. Review status: criteria provided, single submitter. Criteria: ACMG Guidelines, 2015. Collection method: clinical testing. Allele origin: germline. Affected: yes. Observed: 1 homozygote.
Comment: ACMG criteria applied: PM2, PM3_Strong, PVS1, PP4

3billion
Classification: Pathogenic for Bardet-Biedl syndrome 7. Last evaluated: 2025-05-02. Review status: criteria provided, single submitter. Criteria: ACMG Guidelines, 2015. Collection method: clinical testing. Allele origin: germline. Affected: yes.
Comment: The variant is observed at an extremely low frequency in the gnomAD v4.1.0 dataset (total allele frequency: 0.004%). Predicted Consequence/Location: Frameshift: predicted to result in a loss or disruption of normal protein function through nonsense-mediated decay (NMD) or protein truncation. Multiple pathogenic variants are reported downstream of the variant. The variant has been reported at least twice as pathogenic with clinical assertions and evidence for the classification (ClinVar ID: VCV000281626 /PMID: 19402160 /3billion dataset). Therefore, this variant is classified as Pathogenic according to the recommendation of ACMG/AMP guideline.

Laboratory of Genetics, Children's Clinical University Hospital Latvia
Classification: Pathogenic. Last evaluated: 2025-02-16. Review status: criteria provided, single submitter. Criteria: ACMG Guidelines, 2015. Collection method: clinical testing. Allele origin: germline. Affected: yes.

First Genomix Gene Laboratory, Genetic Diagnostics Department
Classification: Pathogenic for Bardet-Biedl syndrome 7. Last evaluated: 2025-01-10. Review status: criteria provided, single submitter. Criteria: ACMG Guidelines, 2015. Collection method: clinical testing. Allele origin: germline. Inheritance: Autosomal recessive inheritance. Affected: no. Observed: 1 variant allele.

Blueprint Genetics
Classification: Pathogenic for BBS7-related disorders. Last evaluated: 2024-11-26. Review status: criteria provided, single submitter. Criteria: ACMG Guidelines, 2015. Collection method: clinical testing. Allele origin: germline. Affected: yes. Observed: 5 variant alleles.

GeneDx
Classification: Pathogenic. Last evaluated: 2024-09-26. Review status: criteria provided, single submitter. Criteria: GeneDx Variant Classification Process June 2021. Collection method: clinical testing. Allele origin: germline. Affected: yes.
Comment: Frameshift variant predicted to result in protein truncation or nonsense mediated decay in a gene for which loss of function is a known mechanism of disease; This variant is associated with the following publications: (PMID: 31964843, 37293956, 32531858, 37734845, 33879512, 34426522, 31589614, 27004616, 32359821, 35886001, 26518167, 19402160, 38374194)

Fulgent Genetics
Classification: Pathogenic for Bardet-Biedl syndrome 7. Last evaluated: 2024-06-14. Review status: criteria provided, single submitter. Criteria: ACMG Guidelines, 2015. Collection method: clinical testing. Allele origin: germline.

Institute of Human Genetics Munich, TUM University Hospital
Classification: Pathogenic for Bardet-Biedl syndrome 7. Last evaluated: 2022-11-08. Review status: criteria provided, single submitter. Criteria: Classification criteria August 2017. Collection method: clinical testing. Allele origin: germline. Inheritance: Autosomal recessive inheritance. Affected: yes. Observed: 2 variant alleles.

Institute for Clinical Genetics, University Hospital TU Dresden, University Hospital TU Dresden
Classification: Pathogenic. Last evaluated: 2021-11-03. Review status: criteria provided, single submitter. Criteria: ACMG Guidelines, 2015. Collection method: clinical testing. Allele origin: germline.

Kariminejad - Najmabadi Pathology & Genetics Center
Classification: Pathogenic. Last evaluated: 2021-07-10. Review status: criteria provided, single submitter. Criteria: ACMG Guidelines, 2015. Collection method: clinical testing. Allele origin: germline. Affected: yes.

Institute of Medical Genetics and Applied Genomics, University Hospital Tübingen
Classification: Pathogenic. Last evaluated: 2020-10-23. Review status: criteria provided, single submitter. Criteria: ACMG Guidelines, 2015. Collection method: clinical testing. Allele origin: germline. Inheritance: Unknown mechanism. Affected: yes.

Revvity Omics, Revvity
Classification: Pathogenic for Bardet-Biedl syndrome 7. Last evaluated: 2020-06-09. Review status: criteria provided, single submitter. Criteria: ACMG Guidelines, 2015. Collection method: clinical testing. Allele origin: germline.

CeGaT Center for Human Genetics Tuebingen
Classification: Pathogenic. Last evaluated: 2017-06-01. Review status: criteria provided, single submitter. Criteria: CeGaT Center For Human Genetics Tuebingen Variant Classification Criteria Version 2. Collection method: clinical testing. Allele origin: germline. Affected: yes. Observed: 1 variant allele.

Center for Pediatric Genomic Medicine, Children's Mercy Hospital and Clinics
Classification: Pathogenic. Last evaluated: 2016-11-10. Review status: criteria provided, single submitter. Criteria: ACMG Guidelines, 2015. Collection method: clinical testing. Allele origin: germline.

Eurofins Ntd Llc (ga)
Classification: Pathogenic. Last evaluated: 2015-07-09. Review status: criteria provided, single submitter. Criteria: EGL Classification Definitions 2015. Collection method: clinical testing. Allele origin: germline. Observed: 1 variant allele, 1 heterozygote.

Neuberg Centre For Genomic Medicine, NCGM
Classification: Pathogenic for Bardet-Biedl syndrome 7. Review status: criteria provided, single submitter. Criteria: ACMG Guidelines, 2015. Collection method: clinical testing. Allele origin: germline. Inheritance: Autosomal recessive inheritance. Affected: yes.
Comment: The c.712_715del (p.Arg238GlufsTer59) frameshift variant in BBS7 gene has been has been observed to be homozygous or in combination with another BBS7 variant in individuals with Bardet-Biedl Syndrome (Ece et al., 2015; Bin et al., 2009). The p.Pro790GlnfsTer98 variant is reported with the allele frequency (0.005%) in the gnomAD Exomes and is novel (not in any individuals) in 1000 Genomes. This variant has been reported to the ClinVar database as Pathogenic. This variant causes a frameshift starting with codon Arginine 238, changes this amino acid to Glutamic Acid residue, and creates a premature Stop codon at position 59 of the new reading frame, denoted p.Arg238GlufsTer59. Loss-of-function variants in BBS7 are known to be pathogenic (Badano et al., 2003). For these reasons, this variant has been classified as Pathogenic.

Gharavi Laboratory, Columbia University
Classification: Pathogenic for Bardet-Biedl syndrome 7. Last evaluated: 2024-11-05. Review status: no assertion criteria provided. Criteria: ACMG Guidelines, 2015. Collection method: case-control. Allele origin: germline. Affected: yes. Not counted in ClinVar's aggregate classification.

Advanced Center For Translational And Genetic Medicine, Ann & Robert H. Lurie Children's Hospital Of Chicago
Classification: Pathogenic for Bardet-Biedl syndrome 1. Last evaluated: 2023-05-10. Review status: no assertion criteria provided. Collection method: research. Allele origin: maternal, paternal, biparental. Affected: yes. Observed: 1 heterozygote, 1 compound heterozygote, 1 homozygote. Not counted in ClinVar's aggregate classification.

Literature cited by the submitters: PubMed 12567324 (cited by Labcorp Genetics (formerly Invitae), Labcorp); PubMed 19402160 (cited by 3 submitters); PubMed 21209035 (cited by Labcorp Genetics (formerly Invitae), Labcorp); PubMed 31196119 (cited by Labcorp Genetics (formerly Invitae), Labcorp); PubMed 26518167 (cited by Labcorp Genetics (formerly Invitae), Labcorp).